The following is an entry in ClinVar:

ClinVar aggregate classification (germline): Pathogenic. Review status: criteria provided, multiple submitters, no conflicts (2 of 4 stars). 3 submissions from 3 submitters: Pathogenic (3). Last evaluated 2024-11-29.

Conditions:
Renal tubular acidosis with progressive nerve deafness. Also called: renal tubular acidosis, distal, 2, with progressive sensorineural hearing loss; Distal Renal Tubular Acidosis with Progressive Sensorineural Deafness; RENAL TUBULAR ACIDOSIS, AUTOSOMAL RECESSIVE, WITH PROGRESSIVE NERVE DEAFNESS; RTA WITH PROGRESSIVE NERVE DEAFNESS. Identifiers: MedGen C0403554, MONDO:0009968, OMIM 267300.

Allele frequency attached by ClinVar (database versions not stated): TOPMed below 0.00001; gnomAD 0.00001.
gnomAD v4.1: 13 of 1,577,774 alleles (0.00082%); highest among the groups gnomAD compares: Non-Finnish European, 0.001%; no homozygotes.

Submissions (3):

Natera, Inc.
Classification: Pathogenic for Renal tubular acidosis with progressive nerve deafness. Last evaluated: 2024-11-29. Review status: criteria provided, single submitter. Criteria: Natera Variant Classification Schema (03/2026). Collection method: clinical testing. Allele origin: germline.
Comment: The c.687+1G>T variant in ATP6V1B1 is a canonical splice donor site variant predicted to affect pre-mRNA splicing, which may result in an abnormal transcript and altered protein product. This variant may result in a truncated or dysfunctional protein product. This variant is rare in the general population with a frequency below the threshold expected for the associated phenotype(s). This variant has been observed in one or more individuals affected with the associated recessive disease, as either homozygous or compound heterozygous with a second variant (PMID: 28233610, 33615106, 37121229, 16433694, 20805693). Additionally, this variant has been observed to segregate in affected family members (PMID: 16433694). Given the available evidence, this variant is classified as Pathogenic.

Labcorp Genetics (formerly Invitae), Labcorp
Classification: Pathogenic. Last evaluated: 2023-10-13. Review status: criteria provided, single submitter. Criteria: Invitae Variant Classification Sherloc (09022015). Collection method: clinical testing. Allele origin: germline.
Comment: This sequence change affects a donor splice site in intron 7 of the ATP6V1B1 gene. It is expected to disrupt RNA splicing. Variants that disrupt the donor or acceptor splice site typically lead to a loss of protein function (PMID: 16199547), and loss-of-function variants in ATP6V1B1 are known to be pathogenic (PMID: 9916796, 18368028). The frequency data for this variant in the population databases is considered unreliable, as metrics indicate poor data quality at this position in the gnomAD database. Disruption of this splice site has been observed in individuals with renal tubular acidosis with deafness (PMID: 9916796, 16433694, 22966473). It has also been observed to segregate with disease in related individuals. This variant is also known as intron 7: gt→tt or IVS7+1G>T. ClinVar contains an entry for this variant (Variation ID: 2203081). Algorithms developed to predict the effect of sequence changes on RNA splicing suggest that this variant may disrupt the consensus splice site. For these reasons, this variant has been classified as Pathogenic.

Women's Health and Genetics/Laboratory Corporation of America, LabCorp
Classification: Pathogenic for Renal tubular acidosis with progressive nerve deafness. Last evaluated: 2023-09-13. Review status: criteria provided, single submitter. Criteria: LabCorp Variant Classification Summary - May 2015. Collection method: clinical testing. Allele origin: germline.
Comment: Variant summary: ATP6V1B1 c.687+1G>T is located in a canonical splice-site and is predicted to affect mRNA splicing resulting in a significantly altered protein due to either exon skipping, shortening, or inclusion of intronic material. Several computational tools predict a significant impact on normal splicing: Four predict the variant abolishes a 5' canonical splicing donor site. However, these predictions have yet to be confirmed by functional studies. The variant allele was found at a frequency of 5.2e-06 in 191488 control chromosomes. c.687+1G>T has been reported in the literature in multiple individuals affected with Renal Tubular Acidosis With Progressive Nerve Deafness, either at a homozygous state or at a compound heterozygous with second pathogenic variants (example, Karet_1999, Palazzo_2017, Ruf_2003). These data indicate that the variant is very likely to be associated with disease. To our knowledge, no experimental evidence demonstrating an impact on protein function has been reported. The following publications have been ascertained in the context of this evaluation (PMID: 9916796, 28233610, 12579397). One submitter has cited clinical-significance assessments for this variant to ClinVar after 2014 and has classified the variant as pathogenic. Based on the evidence outlined above, the variant was classified as pathogenic.

Literature cited by the submitters: PubMed 28233610 (cited by Natera, Inc. and Women's Health and Genetics/Laboratory Corporation of America, LabCorp); PubMed 33615106 (cited by Natera, Inc.); PubMed 37121229 (cited by Natera, Inc.); PubMed 16433694 (cited by Natera, Inc. and Labcorp Genetics (formerly Invitae), Labcorp); PubMed 20805693 (cited by Natera, Inc.); PubMed 16199547 (cited by Labcorp Genetics (formerly Invitae), Labcorp); PubMed 9916796 (cited by Labcorp Genetics (formerly Invitae), Labcorp and Women's Health and Genetics/Laboratory Corporation of America, LabCorp); PubMed 18368028 (cited by Labcorp Genetics (formerly Invitae), Labcorp); PubMed 22966473 (cited by Labcorp Genetics (formerly Invitae), Labcorp); PubMed 12579397 (cited by Women's Health and Genetics/Laboratory Corporation of America, LabCorp).

NM_001692.4(ATP6V1B1):c.687+1G>T

Gene: ATP6V1B1 (ATPase H+ transporting V1 subunit B1; plus strand). Cytogenetic location: 2p13.3.
Variant type: single nucleotide variant.
Coding change: c.687+1G>T on transcript NM_001692.4 (MANE Select); the canonical splice donor site of the intron after coding-DNA position 687, G replaced by T.
Molecular consequence: splice donor variant.
Genome position (GRCh38, 1-based): chr2:70,961,023, G>T. VCF-style: chr2-70961023-G-T. GRCh37 (hg19) VCF-style: chr2-71188153-G-T.
Other names: c.687+1G>T (NM_001692.3).
Identifiers: ClinVar variation 2203081 (VCV002203081.7), dbSNP rs782102147, ClinGen allele CA1701125.